The following is an entry in ClinVar:

NM_058216.3(RAD51C):c.1026+6T>A

Gene: RAD51C (RAD51 paralog C; plus strand). Cytogenetic location: 17q22.
Variant type: single nucleotide variant.
Coding change: c.1026+6T>A on transcript NM_058216.3 (MANE Select); 6 bases into the intron after coding-DNA position 1026, T replaced by A.
Molecular consequence: intron variant.
Genome position (GRCh38, 1-based): chr17:58,732,550, T>A. VCF-style: chr17-58732550-T-A. GRCh37 (hg19) VCF-style: chr17-56809911-T-A.
Other names: c.1026+6T>A (NM_058216.2, NM_058216.1).
Identifiers: ClinVar variation 1487883 (VCV001487883.10), dbSNP rs2144046795, ClinGen allele CA400365328.

ClinVar aggregate classification (germline): Conflicting classifications of pathogenicity. Review status: criteria provided, conflicting classifications (1 of 4 stars). 4 submissions from 4 submitters: Likely pathogenic (3); Uncertain significance (1). Last evaluated 2025-08-29.

Conditions:
Hereditary breast ovarian cancer syndrome. Also called: Hereditary breast and/or ovarian cancer syndrome; BRCA1- and BRCA2-Associated Hereditary Breast and Ovarian Cancer; Breast and ovarian cancer; Hereditary breast and ovarian cancer syndrome (HBOC); Hereditary breast and ovarian cancer; Hereditary breast and ovarian cancer syndrome. Identifiers: Orphanet 145, MedGen C0677776, MeSH D061325, MONDO:0003582. Disease mechanism: loss of function.
Fanconi anemia complementation group O. Also called: RAD51C-Related Fanconi Anemia. Identifiers: Orphanet 84, MedGen C3150653, MONDO:0013248, OMIM 613390.
Hereditary cancer-predisposing syndrome. Also called: Neoplastic Syndromes, Hereditary; Tumor predisposition; Hereditary neoplastic syndrome; Hereditary Cancer Syndrome. Identifiers: Orphanet 140162, MedGen C0027672, MeSH D009386, MONDO:0015356.
Breast-ovarian cancer, familial, susceptibility to, 3. Also called: RAD51C-Related Breast/Ovarian Cancer. Identifiers: Orphanet 145, MedGen C3150659, MONDO:0013253, OMIM 613399.

Allele frequency attached by ClinVar (database versions not stated): gnomAD exomes below 0.00001.
gnomAD v4.1: 1 of 1,608,880 alleles (0.000062%); highest among the groups gnomAD compares: South Asian, 0.0011%; no homozygotes.

Submissions (4):

Ambry Genetics
Classification: Likely pathogenic for Hereditary cancer-predisposing syndrome. Last evaluated: 2025-08-29. Review status: criteria provided, single submitter. Criteria: Ambry Variant Classification Scheme 2023. Collection method: clinical testing. Allele origin: germline.
Comment: The c.1026+6T>A intronic variant results from a T to A substitution 6 nucleotides after coding exon 8 in the RAD51C gene. This nucleotide position is highly conserved in available vertebrate species. In silico splice site analysis predicts that this alteration will weaken the native splice donor site. RNA studies have demonstrated that this alteration results in abnormal splicing in the set of samples tested (Ambry internal data). Based on the majority of available evidence to date, this variant is likely to be pathogenic.

Labcorp Genetics (formerly Invitae), Labcorp
Classification: Likely pathogenic for Fanconi anemia complementation group O. Last evaluated: 2025-04-18. Review status: criteria provided, single submitter. Criteria: Invitae Variant Classification Sherloc (09022015). Collection method: clinical testing. Allele origin: germline.
Comment: This sequence change falls in intron 8 of the RAD51C gene. It does not directly change the encoded amino acid sequence of the RAD51C protein. RNA analysis indicates that this variant induces altered splicing and likely disrupts the C-terminus of the protein. This variant is not present in population databases (gnomAD no frequency). This variant has not been reported in the literature in individuals affected with RAD51C-related conditions. ClinVar contains an entry for this variant (Variation ID: 1487883). Variants that disrupt the consensus splice site are a relatively common cause of aberrant splicing (PMID: 17576681, 9536098). Studies have shown that this variant results in skipping of exon 8 and introduces a new termination codon (internal data). However the mRNA is not expected to undergo nonsense-mediated decay. This variant disrupts the nuclear localization signal (NLS) of the RAD51C protein, which is important for proper localization and function of the RAD51C protein (PMID:12966089). While functional studies have not been performed to directly test the effect of this variant on RAD51C protein function, this suggests that disruption of this region of the protein is causative of disease. In summary, the currently available evidence indicates that the variant is pathogenic, but additional data are needed to prove that conclusively. Therefore, this variant has been classified as Likely Pathogenic.

Women's Health and Genetics/Laboratory Corporation of America, LabCorp
Classification: Likely pathogenic for Hereditary breast ovarian cancer syndrome. Last evaluated: 2024-12-27. Review status: criteria provided, single submitter. Criteria: LabCorp Variant Classification Summary - May 2015. Collection method: clinical testing. Allele origin: germline.
Comment: Variant summary: RAD51C c.1026+6T>A, located in the last intron, alters a conserved nucleotide located close to a canonical splice site and therefore could affect mRNA splicing, leading to a significantly altered protein sequence. Several computational tools predict a significant impact on normal splicing: Two predict the variant abolishes the canonical 5' splicing donor site. One predict the variant weakens the canonical 5' splicing donor site. Internal RNA analysis provides experimental evidence that this variant affects mRNA splicing resulting in the skipping of exon 8 and an out of frame effect due to the introduction of a new termination codon (internal data). However, this transcript is not expected to undergo nonsense mediated decay (NMD). The resultant significantly altered protein sequence is expected to alter the critical C-terminal nuclear localization signal (NLS) domain of the RAD51C protein (PMID 12966089). The variant was absent in 251380 control chromosomes. To our knowledge, no occurrence of c.1026+6T>A in individuals affected with Hereditary Breast And Ovarian Cancer Syndrome has been reported. ClinVar contains an entry for this variant (Variation ID: 1487883). Based on the evidence outlined above, the variant was classified as likely pathogenic.

Baylor Genetics
Classification: Uncertain significance for Breast-ovarian cancer, familial, susceptibility to, 3. Last evaluated: 2023-06-28. Review status: criteria provided, single submitter. Criteria: ACMG Guidelines, 2015. Collection method: clinical testing. Allele origin: unknown.

Literature cited by the submitters: PubMed 17576681 (cited by Labcorp Genetics (formerly Invitae), Labcorp); PubMed 9536098 (cited by Labcorp Genetics (formerly Invitae), Labcorp); PubMed 12966089 (cited by Labcorp Genetics (formerly Invitae), Labcorp).